The following is an entry in ClinVar:

NM_138711.6(PPARG):c.1064G>A (p.Arg355Gln)

Gene: PPARG (peroxisome proliferator activated receptor gamma; plus strand). Cytogenetic location: 3p25.2.
Variant type: single nucleotide variant.
Coding change: c.1064G>A on transcript NM_138711.6 (MANE Select); coding-DNA position 1064, G replaced by A.
Protein change: p.Arg355Gln; replaces arginine 355 with glutamine.
Molecular consequence: missense variant. On other transcripts: intron variant (5).
Genome position (GRCh38, 1-based): chr3:12,417,038, G>A. VCF-style: chr3-12417038-G-A. GRCh37 (hg19) VCF-style: chr3-12458537-G-A.
Other names: c.1064G>A, p.Arg355Gln (NM_001354666.3, NM_001354667.3, NM_001374263.2 and 3 more transcripts); c.437G>A, p.Arg146Gln (NM_001354669.2); c.1154G>A, p.Arg385Gln (NM_015869.5); c.729+10957G>A (NM_001374261.3, NM_001374262.3, NM_001330615.4); c.653+11039G>A (NM_001374266.1); c.819+10957G>A (NM_001374265.1); short protein forms R146Q, R355Q, R385Q.
Identifiers: ClinVar variation 1336956 (VCV001336956.6), dbSNP rs140204299, ClinGen allele CA2258317.
Genomic context (GRCh38, chr3:12,417,038, plus strand): 5'-ATGGGGTTCTCATATCCGAGGGCCAAGGCTTCATGACAAGGGAGTTTCTAAAGAGCCTGC[G>A]AAAGCCTTTTGGTGACTTTATGGAGCCCAAGTTTGAGTTTGCTGTGAAGTTCAATGCACT-3'
Protein context (NP_619725.3, residues 345-365): FMTREFLKSL[Arg355Gln]KPFGDFMEPK

ClinVar aggregate classification (germline): Uncertain significance. Review status: criteria provided, multiple submitters, no conflicts (2 of 4 stars). 3 submissions from 3 submitters: Uncertain significance (3). Last evaluated 2025-09-04.

Conditions:
PPARG-related disorder. Also called: PPARG-related condition; PPARG-related disorders.

Allele frequency attached by ClinVar (database versions not stated): ExAC 0.00001; gnomAD 0.00001; gnomAD exomes 0.00001; ESP Exome Variant Server 0.00008.
gnomAD v4.1: 12 of 1,612,956 alleles (0.00074%); highest among the groups gnomAD compares: African/African-American, 0.0013%; no homozygotes.

Submissions (3):

Labcorp Genetics (formerly Invitae), Labcorp
Classification: Uncertain significance. Last evaluated: 2025-09-04. Review status: criteria provided, single submitter. Criteria: Invitae Variant Classification Sherloc (09022015). Collection method: clinical testing. Allele origin: germline.
Comment: This sequence change replaces arginine, which is basic and polar, with glutamine, which is neutral and polar, at codon 385 of the PPARG protein (p.Arg385Gln). This variant is present in population databases (rs140204299, gnomAD 0.002%). This missense change has been observed in individual(s) with clinical features of PPARG-related conditions (PMID: 27749844, 36325899, 36397776). This variant is also known as p.Arg357Gln. ClinVar contains an entry for this variant (Variation ID: 1336956). Invitae Evidence Modeling of protein sequence and biophysical properties (such as structural, functional, and spatial information, amino acid conservation, physicochemical variation, residue mobility, and thermodynamic stability) indicates that this missense variant is expected to disrupt PPARG protein function with a positive predictive value of 95%. Experimental studies have shown that this missense change does not substantially affect PPARG function (PMID: 27749844). In summary, the available evidence is currently insufficient to determine the role of this variant in disease. Therefore, it has been classified as a Variant of Uncertain Significance.

PreventionGenetics, part of Exact Sciences
Classification: Uncertain significance for PPARG-related condition. Last evaluated: 2025-02-21. Review status: criteria provided, single submitter. Criteria: ACMG Guidelines, 2015. Collection method: clinical testing. Allele origin: germline.
Comment: The PPARG c.1154G>A variant is predicted to result in the amino acid substitution p.Arg385Gln. This variant was identified in individuals with familial partial lipodystrophy (Table 1, Vasandani et al. 2022. PubMed ID: 36397776; Majithia et al. 2016. PubMed ID: 27749844). However, it was reported as a likely incidental finding (Majithia et al. 2016. PubMed ID: 27749844). At this time, the clinical significance of this variant is uncertain due to the absence of conclusive functional and genetic evidence.

Genetic Services Laboratory, University of Chicago
Classification: Uncertain significance. Last evaluated: 2018-12-19. Review status: criteria provided, single submitter. Criteria: ACMG Guidelines, 2015. Collection method: clinical testing. Allele origin: germline. Affected: no.

Literature cited by the submitters: PubMed 27749844 (cited by Labcorp Genetics (formerly Invitae), Labcorp); PubMed 36325899 (cited by Labcorp Genetics (formerly Invitae), Labcorp); PubMed 36397776 (cited by Labcorp Genetics (formerly Invitae), Labcorp).